The following is an entry in ClinVar:

ClinVar aggregate classification (germline): Likely pathogenic. Review status: criteria provided, multiple submitters, no conflicts (2 of 4 stars). 3 submissions from 3 submitters: Likely pathogenic (3). Last evaluated 2024-05-27.

Conditions:
Pontocerebellar hypoplasia type 6 (PCH6). Identifiers: Orphanet 166073, MedGen C1969084, MONDO:0012683, OMIM 611523.

Allele frequency attached by ClinVar (database versions not stated): TOPMed below 0.00001; gnomAD 0.00001.
gnomAD v4.1: 1 of 1,613,386 alleles (0.000062%); highest among the groups gnomAD compares: Admixed American, 0.0017%; no homozygotes.

Submissions (3):

Natera, Inc.
Classification: Likely pathogenic for Pontocerebellar hypoplasia, type 6. Last evaluated: 2024-05-27. Review status: criteria provided, single submitter. Criteria: Natera Variant Classification Schema (03/2026). Collection method: clinical testing. Allele origin: germline.
Comment: The c.1512-1G>A variant in RARS2 is a canonical splice acceptor site variant predicted to affect pre-mRNA splicing, which may result in an abnormal transcript and altered protein product. This variant is expected to result in nonsense mediated decay, truncation, or a dysfunctional protein product. This variant is rare in the general population with a frequency below the threshold expected for the associated phenotype(s). Given the available evidence, this variant is classified as Likely Pathogenic.

Baylor Genetics
Classification: Likely pathogenic for Pontocerebellar hypoplasia type 6. Last evaluated: 2024-01-11. Review status: criteria provided, single submitter. Criteria: ACMG Guidelines, 2015. Collection method: clinical testing. Allele origin: unknown.

Labcorp Genetics (formerly Invitae), Labcorp
Classification: Likely pathogenic. Last evaluated: 2023-05-17. Review status: criteria provided, single submitter. Criteria: Invitae Variant Classification Sherloc (09022015). Collection method: clinical testing. Allele origin: germline.
Comment: Algorithms developed to predict the effect of sequence changes on RNA splicing suggest that this variant may disrupt the consensus splice site. In summary, the currently available evidence indicates that the variant is pathogenic, but additional data are needed to prove that conclusively. Therefore, this variant has been classified as Likely Pathogenic. ClinVar contains an entry for this variant (Variation ID: 2089230). This variant has not been reported in the literature in individuals affected with RARS2-related conditions. This variant is not present in population databases (gnomAD no frequency). This sequence change affects an acceptor splice site in intron 17 of the RARS2 gene. It is expected to disrupt RNA splicing. Variants that disrupt the donor or acceptor splice site typically lead to a loss of protein function (PMID: 16199547), and loss-of-function variants in RARS2 are known to be pathogenic (PMID: 17847012, 22569581, 26083569).

Literature cited by the submitters: PubMed 16199547 (cited by Labcorp Genetics (formerly Invitae), Labcorp); PubMed 17847012 (cited by Labcorp Genetics (formerly Invitae), Labcorp); PubMed 22569581 (cited by Labcorp Genetics (formerly Invitae), Labcorp); PubMed 26083569 (cited by Labcorp Genetics (formerly Invitae), Labcorp).

NM_020320.5(RARS2):c.1512-1G>A

Gene: RARS2 (arginyl-tRNA synthetase 2, mitochondrial; minus strand). Cytogenetic location: 6q15.
Variant type: single nucleotide variant.
Coding change: c.1512-1G>A on transcript NM_020320.5 (MANE Select); the canonical splice acceptor site of the intron before coding-DNA position 1512, G replaced by A.
Molecular consequence: splice acceptor variant.
Genome position (GRCh38, 1-based): chr6:87,516,881, C>T on the plus strand (G>A on the coding strand, the complement: RARS2 is on the minus strand). VCF-style: chr6-87516881-C-T. GRCh37 (hg19) VCF-style: chr6-88226599-C-T.
Other names: c.1512-1G>A (NM_020320.4, NM_001350505.2); c.987-1G>A (NM_001350509.2, NM_001318785.2, NM_001350506.2 and 4 more transcripts).
Identifiers: ClinVar variation 2089230 (VCV002089230.7), dbSNP rs1771924660, ClinGen allele CA364920189.